The following is an entry in ClinVar:

ClinVar aggregate classification (germline): Uncertain significance (1 of 4 stars; one submission).

Conditions:
Generalized epilepsy with febrile seizures plus, type 7 (GEFSP7). Also called: GEFS+, TYPE 7. Identifiers: Orphanet 36387, MedGen C2751778, MONDO:0013470, OMIM 613863.
Neuropathy, hereditary sensory and autonomic, type 2A (HSAN2A). Also called: HSAN IIA; ACROOSTEOLYSIS, GIACCAI TYPE; ACROOSTEOLYSIS, NEUROGENIC; WNK1-Related HSAN2 (HSAN2A); MORVAN DISEASE; NEUROPATHY, CONGENITAL SENSORY. Identifiers: Orphanet 970, MedGen C2752089, MONDO:0024309, OMIM 201300.

Allele frequency attached by ClinVar (database versions not stated): gnomAD exomes below 0.00001; TOPMed 0.00002; gnomAD 0.00003; ESP Exome Variant Server 0.00008.
gnomAD v4.1: 5 of 1,613,512 alleles (0.00031%); highest among the groups gnomAD compares: African/African-American, 0.0067%; no homozygotes.

Submission:

Labcorp Genetics (formerly Invitae), Labcorp
Classification: Uncertain significance for Neuropathy, hereditary sensory and autonomic, type 2A; Generalized epilepsy with febrile seizures plus, type 7. Last evaluated: 2025-11-25. Review status: criteria provided, single submitter. Criteria: Invitae Variant Classification Sherloc (09022015). Collection method: clinical testing. Allele origin: germline.
Comment: This sequence change replaces valine, which is neutral and non-polar, with isoleucine, which is neutral and non-polar, at codon 218 of the SCN9A protein (p.Val218Ile). This variant is not present in population databases (gnomAD no frequency). This variant has not been reported in the literature in individuals affected with SCN9A-related conditions. ClinVar contains an entry for this variant (Variation ID: 2153746). Invitae Evidence Modeling of protein sequence and biophysical properties (such as structural, functional, and spatial information, amino acid conservation, physicochemical variation, residue mobility, and thermodynamic stability) has been performed for this missense variant. However, the output from this modeling did not meet the statistical confidence thresholds required to predict the impact of this variant on SCN9A protein function. In summary, the available evidence is currently insufficient to determine the role of this variant in disease. Therefore, it has been classified as a Variant of Uncertain Significance.

NM_001365536.1(SCN9A):c.652G>A (p.Val218Ile)

Gene: SCN9A (sodium voltage-gated channel alpha subunit 9; minus strand). Cytogenetic location: 2q24.3.
Variant type: single nucleotide variant.
Coding change: c.652G>A on transcript NM_001365536.1 (MANE Select); coding-DNA position 652, G replaced by A.
Protein change: p.Val218Ile; replaces valine 218 with isoleucine.
Molecular consequence: missense variant.
Genome position (GRCh38, 1-based): chr2:166,304,274, C>T on the plus strand (G>A on the coding strand, the complement: SCN9A is on the minus strand). VCF-style: chr2-166304274-C-T. GRCh37 (hg19) VCF-style: chr2-167160784-C-T.
Other names: c.652G>A, p.Val218Ile (NM_002977.4); short protein forms V218I.
Identifiers: ClinVar variation 2153746 (VCV002153746.4), dbSNP rs372002155, ClinGen allele CA59808847.